The following continues an entry in ClinVar:

NM_000059.4(BRCA2):c.7684T>C (p.Phe2562Leu)

Gene: BRCA2. ClinVar aggregate classification (germline): Uncertain significance. Uncertain significance (1).

Submissions 6 to 13 of 17:

Ambry Genetics
Classification: Likely pathogenic for Hereditary cancer-predisposing syndrome. Last evaluated: 2025-04-04. Review status: criteria provided, single submitter. Criteria: Ambry Variant Classification Scheme 2023. Collection method: clinical testing. Allele origin: germline. Not counted in ClinVar's aggregate classification.
Comment: The c.7684T>C (p.F2562L) alteration is located in exon 16 (coding exon 15) of the BRCA2 gene. This alteration results from a T to C substitution at nucleotide position 7684, causing the phenylalanine (F) at amino acid position 2562 to be replaced by a leucine (L). Alternate variant conclusion statement: Based on the available evidence, the BRCA2 c.7684T>C (p.F2562L) alteration is classified as likely pathogenic. However, because this variant is identified in one or more patients with Fanconi Anemia it may be hypomorphic, and thus, carriers of this variant and their families may present with reduced risks, and not with the typical clinical characteristics of a high-risk pathogenic BRCA2 alteration. As risk estimates are unknown at this time, clinical correlation is advised. This variant was not reported in population-based cohorts in the Genome Aggregation Database (gnomAD). This alteration co-occurs with a pathogenic BRCA2 frameshift mutation in a cell line derived from a Fanconi Anemia patient; however, the phase of these two alterations was not described (Stoepker, 2015). In a study of 1854 high-risk breast/ovarian cancer families in Italy, this alteration was detected in 1 family (Azzollini, 2016). This amino acid position is highly conserved in available vertebrate species. One homology directed repair (HDR) assay found this alteration to be defective (Guidugli, 2018), while another HDR assay found this alteration to have intermediate function (Hart, 2019). Two saturation genome editing-based studies, including a haploid cell-survival assay and a humanized mouse embryonic stem cell line assay of drug response and survival, demonstrate that this nucleotide substitution may be non-functional (Huang, 2025; Sahu, 2025). This alteration is predicted to be deleterious by in silico analysis. Based on the available evidence, this alteration is classified as likely pathogenic.

Labcorp Genetics (formerly Invitae), Labcorp
Classification: Uncertain significance for Hereditary breast ovarian cancer syndrome. Last evaluated: 2025-01-30. Review status: criteria provided, single submitter. Criteria: Invitae Variant Classification Sherloc (09022015). Collection method: clinical testing. Allele origin: germline. Not counted in ClinVar's aggregate classification.
Comment: This sequence change replaces phenylalanine, which is neutral and non-polar, with leucine, which is neutral and non-polar, at codon 2562 of the BRCA2 protein (p.Phe2562Leu). This variant is not present in population databases (gnomAD no frequency). This missense change has been observed in individual(s) with breast cancer, Fanconi anemia, and/or ovarian cancer (PMID: 25583207, 27062684). This variant has been observed on the opposite chromosome (in trans) from a pathogenic variant in an individual with features of Fanconi anemia (external communication). ClinVar contains an entry for this variant (Variation ID: 38114). Invitae Evidence Modeling of protein sequence and biophysical properties (such as structural, functional, and spatial information, amino acid conservation, physicochemical variation, residue mobility, and thermodynamic stability) indicates that this missense variant is not expected to disrupt BRCA2 protein function with a negative predictive value of 95%. Experimental studies have shown that this missense change affects BRCA2 function (PMID: 29394989, 30696104). In summary, the available evidence is currently insufficient to determine the role of this variant in disease. Therefore, it has been classified as a Variant of Uncertain Significance.

Institute for Genomic Medicine (IGM) Clinical Laboratory, Nationwide Children's Hospital
Classification: Uncertain significance for Hereditary cancer-predisposing syndrome. Last evaluated: 2024-09-25. Review status: criteria provided, single submitter. Criteria: ACMG Guidelines, 2015. Collection method: clinical testing. Allele origin: germline. Not counted in ClinVar's aggregate classification.
Comment: Well-established functional studies have demonstrated this variant to have a damaging effect on protein function or splicing (ACMG/AMP: PS3; PMIDs:29394989, 30696104, 29884841). This variant is absent from or present at an exceedingly low frequency in gnomAD, a large-scale control population database (ACMG/AMP: PM2). This variant is predicted to alter protein function or structure, or disrupt splicing by multiple in silico tools (ACMG/AMP: PP3). This variant results in a missense alteration in a gene for which primarily truncating variants are known to cause disease (ACMG/AMP: BP1).

St. Jude Molecular Pathology, St. Jude Children's Research Hospital
Classification: Uncertain significance for Breast-ovarian cancer, familial, susceptibility to, 2. Last evaluated: 2024-04-02. Review status: criteria provided, single submitter. Criteria: St. Jude Assertion Criteria 2020. Collection method: clinical testing. Allele origin: germline. Not counted in ClinVar's aggregate classification.
Comment: The BRCA2 c.7684T>C (p.Phe2562Leu) missense change is absent in gnomAD v2.1.1. The in silico tool REVEL predicts a deleterious effect on protein function. In published homology-directed repair assays, this variant was found to have an intermediate (PMID: 29884841) and deleterious (PMID: 29394989) impact on protein function. This variant has been reported in conjunction with a pathogenic BRCA2 variant in a cell line derived from an individual with Faconi anemia, however the phase was not described (PMID: 25583207). In summary, the evidence currently available is insufficient to determine the clinical significance of this variant. It has therefore been classified as of uncertain significance.

ARUP Laboratories, Molecular Genetics and Genomics, ARUP Laboratories
Classification: Uncertain significance. Last evaluated: 2024-02-09. Review status: criteria provided, single submitter. Criteria: ARUP Molecular Germline Variant Investigation Process 2024. Collection method: clinical testing. Allele origin: germline. Not counted in ClinVar's aggregate classification.
Comment: The BRCA2 c.7684T>C; p.Phe2562Leu variant (rs80358995) is reported in the literature in an individual affected with breast and/or ovarian cancer (Azzollini 2016), and in an individual affected with Fanconi anemia who also has a pathogenic frameshift variant in BRCA2, although the phase is unknown (Stoepker 2015). In vitro functional analyses demonstrate reduced homology directed repair activity (Biswas 2020, Caleca 2019, Guidugli 2018). This variant is also reported in ClinVar (Variation ID: 38114), but is absent from the Genome Aggregation Database, indicating it is not a common polymorphism. Computational analyses are not informative (BayesDel 0.288). Given the limited clinical and functional data, the significance of this variant is uncertain at this time. References: Azzollini J et al. Mutation detection rates associated with specific selection criteria for BRCA1/2 testing in 1854 high-risk families: A monocentric Italian study. Eur J Intern Med. 2016 Jul;32:65-71. PMID: 27062684. Biswas K et al. A computational model for classification of BRCA2 variants using mouse embryonic stem cell-based functional assays. NPJ Genom Med. 2020 Dec 8;5(1):52. PMID: 33293522. Caleca L et al. GFP-Fragment Reassembly Screens for the Functional Characterization of Variants of Uncertain Significance in Protein Interaction Domains of the BRCA1 and BRCA2 Genes. Cancers (Basel). 2019 Jan 28;11(2):151. PMID: 30696104. Guidugli L et al. Assessment of the Clinical Relevance of BRCA2 Missense Variants by Functional and Computational Approaches. Am J Hum Genet. 2018 Feb 1;102(2):233-248. PMID: 29394989. Stoepker C et al. DNA helicases FANCM and DDX11 are determinants of PARP inhibitor sensitivity. DNA Repair (Amst). 2015 Feb;26:54-64. PMID: 25583207.

Cancer Variant Interpretation Group UK, Institute of Cancer Research, London
Classification: Uncertain significance for Hereditary Breast and Ovarian Cancer. Last evaluated: 2023-12-11. Review status: criteria provided, single submitter. Criteria: ACMG Guidelines, 2015. Collection method: curation. Allele origin: germline. Not counted in ClinVar's aggregate classification.
Comment: Data used in classification: The frequency of this variant is 0/138,632 individuals in gnomAD (PM2_mod). The variant is in the DNA-binding domain of BRCA2 (PM1_sup). December 2023 Update: Functional assay data has since been made available (Hart et al., 2019, PMID: 29884841) which supersedes the previously applied Guidugli et al., 2018 assay results. The new data shows an intermediate result, therefore, this functional assay data is no longer applicable towards pathogenicity. Data not used in classification: There are conflicting in silico predictions; AlignGVGD (class: C15), SIFT (Deleterious), Polyphen2 HumVar (probably damaging) and CADD (27.2).

All of Us Research Program, National Institutes of Health
Classification: Uncertain significance for Breast-ovarian cancer, familial, susceptibility to, 2. Last evaluated: 2023-10-06. Review status: criteria provided, single submitter. Criteria: ACMG Guidelines, 2015. Collection method: clinical testing. Allele origin: germline. Inheritance: Autosomal dominant inheritance. Observed: 2 variant alleles, 2 heterozygotes. Not counted in ClinVar's aggregate classification.
Comment: This missense variant replaces phenylalanine with leucine at codon 2562 of the BRCA2 protein. Computational prediction suggests that this variant may have deleterious impact on protein structure and function (internally defined REVEL score threshold >= 0.7, PMID: 27666373). Functional studies have shown that this variant to be defective in a homology-directed DNA repair assay (PMID: 29394989, 30696104). This variant has been reported in an individual at risk for hereditary breast and ovarian cancer (PMID: 27062684). This variant also has been reported with a pathogenic BRCA2 covariant in a cell line from an individual affected with Fanconi anemia, although the phasing of the two variants is unknown (PMID: 25583207). This variant has not been identified in the general population by the Genome Aggregation Database (gnomAD). The available evidence is insufficient to determine the role of this variant in disease conclusively. Therefore, this variant is classified as a Variant of Uncertain Significance.

This study involves interpretation of variants in research participants for the purpose of population health screening. Participant phenotype was not available at the time of variant classification. Additional details can be found in publication PMID: 35346344, PMCID: PMC8962531

Quest Diagnostics Nichols Institute San Juan Capistrano
Classification: Uncertain significance. Last evaluated: 2020-08-26. Review status: criteria provided, single submitter. Criteria: Quest Diagnostics criteria. Collection method: clinical testing. Allele origin: unknown. Not counted in ClinVar's aggregate classification.